The following is an entry in ClinVar:

NM_000135.4(FANCA):c.1162A>T (p.Arg388Ter)

Gene: FANCA (FA complementation group A; minus strand). Cytogenetic location: 16q24.3.
Variant type: single nucleotide variant.
Coding change: c.1162A>T on transcript NM_000135.4 (MANE Select); coding-DNA position 1162, A replaced by T.
Protein change: p.Arg388Ter; replaces arginine 388 with a stop codon.
Molecular consequence: nonsense.
Genome position (GRCh38, 1-based): chr16:89,791,990, T>A on the plus strand (A>T on the coding strand, the complement: FANCA is on the minus strand). VCF-style: chr16-89791990-T-A. GRCh37 (hg19) VCF-style: chr16-89858398-T-A.
Other names: c.1162A>T, p.Arg388Ter (NM_001286167.3); short protein forms R388*.
Identifiers: ClinVar variation 984161 (VCV000984161.3), dbSNP rs2040091746, ClinGen allele CA397466173.

ClinVar aggregate classification (germline): Likely pathogenic (1 of 4 stars; one submission).

Conditions:
Fanconi anemia complementation group A (FANCA). Also called: Fanconi anemia, group A; FANCA-Related Fanconi Anemia. Identifiers: Orphanet 84, MedGen C3469521, MONDO:0009215, OMIM 227650.

Submission:

Myriad Genetics, Inc.
Classification: Likely pathogenic for Fanconi anemia complementation group A. Last evaluated: 2019-02-05. Review status: criteria provided, single submitter. Criteria: Myriad Women's Health Autosomal Recessive and X-Linked Classification Criteria (2019). Collection method: clinical testing. Allele origin: unknown.
Comment: NM_000135.2(FANCA):c.1162A>T(R388*) is expected to be pathogenic in the context of Fanconi anemia complementation group A. This variant is predicted to lead to an abnormal or absent protein product due to the creation of a premature termination codon in FANCA, a gene where loss-of-function variants are known to be pathogenic. Please note: this variant was assessed in the context of healthy population screening.